The following is an entry in ClinVar:

NM_014629.4(ARHGEF10):c.1867A>T (p.Ile623Leu)

Gene: ARHGEF10 (Rho guanine nucleotide exchange factor 10; plus strand). Cytogenetic location: 8p23.3.
Variant type: single nucleotide variant.
Coding change: c.1867A>T on transcript NM_014629.4 (MANE Select); coding-DNA position 1867, A replaced by T.
Protein change: p.Ile623Leu; replaces isoleucine 623 with leucine.
Molecular consequence: missense variant.
Genome position (GRCh38, 1-based): chr8:1,905,616, A>T. VCF-style: chr8-1905616-A-T. GRCh37 (hg19) VCF-style: chr8-1853782-A-T.
Other names: c.1753A>T, p.Ile585Leu (NM_001308152.2); c.1867A>T, p.Ile623Leu (NM_001308153.3); short protein forms I647L, I585L, I623L.
Identifiers: ClinVar variation 3720096 (VCV003720096.2).

ClinVar aggregate classification (germline): Uncertain significance (1 of 4 stars; one submission).

gnomAD v4.1: 10 of 1,614,222 alleles (0.00062%); highest among the groups gnomAD compares: Non-Finnish European, 0.00085%; no homozygotes.

Submission:

Labcorp Genetics (formerly Invitae), Labcorp
Classification: Uncertain significance. Last evaluated: 2024-11-12. Review status: criteria provided, single submitter. Criteria: Invitae Variant Classification Sherloc (09022015). Collection method: clinical testing. Allele origin: germline.
Comment: This sequence change replaces isoleucine, which is neutral and non-polar, with leucine, which is neutral and non-polar, at codon 623 of the ARHGEF10 protein (p.Ile623Leu). This variant is present in population databases (rs144835192, gnomAD 0.0009%). This variant has not been reported in the literature in individuals affected with ARHGEF10-related conditions. Invitae Evidence Modeling of protein sequence and biophysical properties (such as structural, functional, and spatial information, amino acid conservation, physicochemical variation, residue mobility, and thermodynamic stability) indicates that this missense variant is not expected to disrupt ARHGEF10 protein function with a negative predictive value of 80%. In summary, the available evidence is currently insufficient to determine the role of this variant in disease. Therefore, it has been classified as a Variant of Uncertain Significance.